The following is an entry in ClinVar:

ClinVar aggregate classification (germline): Uncertain significance (1 of 4 stars; one submission).

Conditions:
NRP1-related disorder. Also called: NRP1-related condition.

gnomAD v4.1: 2 of 1,613,830 alleles (0.00012%); highest among the groups gnomAD compares: Admixed American, 0.0017%; no homozygotes.

Submission:

PreventionGenetics, part of Exact Sciences
Classification: Uncertain significance for NRP1-related condition. Last evaluated: 2025-01-28. Review status: criteria provided, single submitter. Criteria: ACMG Guidelines, 2015. Collection method: clinical testing. Allele origin: germline.
Comment: The NRP1 c.1636T>G variant is predicted to result in the amino acid substitution p.Tyr546Asp. To our knowledge, this variant has not been reported in the literature or in a large population database (gnomAD), indicating this variant is rare. At this time, the clinical significance of this variant is uncertain due to the absence of conclusive functional and genetic evidence.

NM_003873.7(NRP1):c.1636T>G (p.Tyr546Asp)

Gene: NRP1 (neuropilin 1; minus strand). Cytogenetic location: 10p11.22.
Variant type: single nucleotide variant.
Coding change: c.1636T>G on transcript NM_003873.7 (MANE Select); coding-DNA position 1636, T replaced by G.
Protein change: p.Tyr546Asp; replaces tyrosine 546 with aspartic acid.
Molecular consequence: missense variant. On other transcripts: non-coding transcript variant (1).
Genome position (GRCh38, 1-based): chr10:33,207,695, A>C on the plus strand (T>G on the coding strand, the complement: NRP1 is on the minus strand). VCF-style: chr10-33207695-A-C. GRCh37 (hg19) VCF-style: chr10-33496623-A-C.
Other names: c.1636T>G, p.Tyr546Asp (NM_001024628.3, NM_001024629.3, NM_001244972.2 and 2 more transcripts); short protein forms Y546D.
Identifiers: ClinVar variation 5000438 (VCV005000438.1).
Genomic context (GRCh38, chr10:33,207,695, plus strand): 5'-GGTAGATCCTGATGAATCGCGTGGAGAGAGCTGGAAAAGTCCGCAGCTCAGGTGTATCAT[A>C]GTTGTTGTTGCCCTCAAAAGACTGTGAAGCATGGAAAACACAGGGCATTAAGGAAAAAAA-3'
Protein context (NP_003864.5, residues 536-556): KAKSFEGNNN[Tyr546Asp]DTPELRTFPA